The following is an entry in ClinVar:

ClinVar aggregate classification (germline): Pathogenic (1 of 4 stars; one submission).

Submission:

Athena Diagnostics
Classification: Pathogenic. Last evaluated: 2025-03-13. Review status: criteria provided, single submitter. Criteria: Athena Diagnostics Criteria. Collection method: clinical testing. Allele origin: unknown.
Comment: Similar deletions of exons 3-13 of the DMD gene have not been reported in large, multi-ethnic general populations. Similar deletions of exons 3-13 have been reported primarily in multiple individuals with Duchenne muscular dystrophy (DMD), in a few individuals with Becker muscular dystrophy (BMD; PMID: 37882106, 31705731), and also in individuals where the type of dystrophinopathy was not specified (PMID: 20036901, 20847377, 21969337, 38002481).

Literature cited by the submitters: PubMed 21515508; PubMed 31381525; PubMed 31404137; PubMed 15845029; PubMed 21969337; PubMed 1618490; PubMed 1483053; PubMed 7853367; PubMed 20036901; PubMed 20847377; PubMed 23438214; PubMed 37882106; PubMed 31705731; PubMed 22234189; PubMed 33238405; PubMed 34602496; PubMed 38002481; PubMed 20485447.

Single allele

Gene: DMD (dystrophin; minus strand). Cytogenetic location: Xp21.1.
Variant type: Deletion.
Identifiers: ClinVar variation 4682424 (VCV004682424.1).